The following is an entry in ClinVar:

ClinVar aggregate classification (germline): Uncertain significance (1 of 4 stars; one submission).

Allele frequency attached by ClinVar (database versions not stated): TOPMed 0.00002.

Submission:

GeneDx
Classification: Uncertain significance. Last evaluated: 2016-12-05. Review status: criteria provided, single submitter. Criteria: GeneDx Variant Classification (06012015). Collection method: clinical testing. Allele origin: germline. Affected: yes.
Comment: The c.1116+5G>C variant in the DNAAF3 gene has not been reported previously as a pathogenic variant nor as a benign variant, to our knowledge. This variant reduces the quality of the splice donor site in intron 8, and is expected to cause abnormal gene splicing. The c.1116+5G>C variant was not observed in approximately 4900 individuals of European and African American ancestry in the NHLBI Exome Sequencing Project, indicating it is not a common benign variant in these populations. We interpret c.1116+5G>C as a variant of uncertain significance

NM_001256715.2(DNAAF3):c.912+5G>C

Genes: DNAAF3-AS1 (DNAAF3 antisense RNA 1; plus strand), DNAAF3 (dynein axonemal assembly factor 3; minus strand). Cytogenetic location: 19q13.42.
Variant type: single nucleotide variant.
Coding change: c.912+5G>C on transcript NM_001256715.2 (MANE Select); 5 bases into the intron after coding-DNA position 912, G replaced by C.
Molecular consequence: intron variant.
Genome position (GRCh38, 1-based): chr19:55,161,060, C>G on the plus strand (G>C on the coding strand, the complement: DNAAF3 is on the minus strand). VCF-style: chr19-55161060-C-G. GRCh37 (hg19) VCF-style: chr19-55672428-C-G.
Other names: c.1053+5G>C (NM_178837.4); c.1116+5G>C (NM_001256714.1); c.750+5G>C (NM_001256716.2).
Identifiers: ClinVar variation 373665 (VCV000373665.1), dbSNP rs1037483400, ClinGen allele CA16043093.
Genomic context (GRCh38, chr19:55,161,060, plus strand): 5'-GGGGCCTTGCGCACCCACCGACCCCCAGCCCCACCTCTACCCCCAGTCCCAGCCTCGCCG[C>G]GCACCTTGACTGGCTGGCCGTTGCTCGTCCGCAGGAGGCTCTCGTCGTCCGCTTCGATGC-3'